The following is an entry in ClinVar:

NM_007118.4(TRIO):c.7365G>A (p.Ser2455=)

Gene: TRIO (trio Rho guanine nucleotide exchange factor; plus strand). Cytogenetic location: 5p15.2.
Variant type: single nucleotide variant.
Coding change: c.7365G>A on transcript NM_007118.4 (MANE Select); coding-DNA position 7365, G replaced by A.
Protein change: p.Ser2455=; no amino-acid change (serine 2455 retained).
Molecular consequence: synonymous variant.
Genome position (GRCh38, 1-based): chr5:14,487,993, G>A. VCF-style: chr5-14487993-G-A. GRCh37 (hg19) VCF-style: chr5-14488102-G-A.
Identifiers: ClinVar variation 5039145 (VCV005039145.1).
Genomic context (GRCh38, chr5:14,487,993, plus strand): 5'-GGACGCGCGCGCTAGCCTGGGCACCCTGCCGCTTGGGAAGCCCCGGGCCGGGGCCGCTTC[G>A]CCGCTGAACTCGCCGCTCTCCAGCGCGGTCCCTTCTCTCGGCAAGGAGCCCTTCCCCCCC-3'
Protein context (NP_009049.2, residues 2445-2465): PLGKPRAGAA[Ser2455=]PLNSPLSSAV

ClinVar aggregate classification (germline): Likely benign (1 of 4 stars; one submission).

gnomAD v4.1: 352 of 1,563,324 alleles (0.023%); highest among the groups gnomAD compares: Non-Finnish European, 0.03%; no homozygotes.

Submission:

CeGaT Center for Human Genetics Tuebingen
Classification: Likely benign. Last evaluated: 2026-08-01. Review status: criteria provided, single submitter. Criteria: CeGaT Center For Human Genetics Tuebingen Variant Classification Criteria Version 2. Collection method: clinical testing. Allele origin: germline. Affected: yes. Observed: 1 variant allele.
Comment: TRIO: BP4, BP7